The following is an entry in ClinVar:

ClinVar aggregate classification (germline): Uncertain significance (1 of 4 stars; one submission).

Conditions:
Cardiovascular phenotype. Identifiers: MedGen CN230736.

Submission:

Ambry Genetics
Classification: Uncertain significance for Cardiovascular phenotype. Last evaluated: 2025-02-15. Review status: criteria provided, single submitter. Criteria: Ambry Variant Classification Scheme 2023. Collection method: clinical testing. Allele origin: germline.
Comment: The p.V483A variant (also known as c.1448T>C), located in coding exon 23 of the TRDN gene, results from a T to C substitution at nucleotide position 1448. The valine at codon 483 is replaced by alanine, an amino acid with similar properties. This amino acid position is conserved. In addition, this alteration is predicted to be tolerated by in silico analysis. Based on the available evidence, the clinical significance of this variant remains unclear.

NM_006073.4(TRDN):c.1448T>C (p.Val483Ala)

Gene: TRDN (triadin; minus strand). Cytogenetic location: 6q22.31.
Variant type: single nucleotide variant.
Coding change: c.1448T>C on transcript NM_006073.4 (MANE Select); coding-DNA position 1448, T replaced by C.
Protein change: p.Val483Ala; replaces valine 483 with alanine.
Molecular consequence: missense variant.
Genome position (GRCh38, 1-based): chr6:123,331,902, A>G on the plus strand (T>C on the coding strand, the complement: TRDN is on the minus strand). VCF-style: chr6-123331902-A-G. GRCh37 (hg19) VCF-style: chr6-123653047-A-G.
Other names: short protein forms V483A.
Identifiers: ClinVar variation 3810179 (VCV003810179.1).